The following is an entry in ClinVar:

NM_006231.4(POLE):c.1119G>A (p.Glu373=)

Gene: POLE (DNA polymerase epsilon, catalytic subunit; minus strand). Cytogenetic location: 12q24.33.
Variant type: single nucleotide variant.
Coding change: c.1119G>A on transcript NM_006231.4 (MANE Select); coding-DNA position 1119, G replaced by A.
Protein change: p.Glu373=; no amino-acid change (glutamic acid 373 retained).
Molecular consequence: synonymous variant.
Genome position (GRCh38, 1-based): chr12:132,675,505, C>T on the plus strand (G>A on the coding strand, the complement: POLE is on the minus strand). VCF-style: chr12-132675505-C-T. GRCh37 (hg19) VCF-style: chr12-133252091-C-T.
Identifiers: ClinVar variation 486127 (VCV000486127.10), dbSNP rs1555229135, ClinGen allele CA482849745.
Genomic context (GRCh38, chr12:132,675,505, plus strand): 5'-GCTGTCCTTCTGGAAGCCTATCTCCTGCTGCATGCTCAGACCGTGGACTGCTGCCCGGGC[C>T]TCCACAAATGGCCTGGGTTGGAAAGAGGACAGACAAGCAAGTGGGCAGGTCAGGCTCTAA-3'
Protein context (NP_006222.2, residues 363-383): NGDFFDWPFV[Glu373=]ARAAVHGLSM

ClinVar aggregate classification (germline): Benign/Likely benign. Review status: criteria provided, multiple submitters, no conflicts (2 of 4 stars). 3 submissions from 3 submitters: Benign (1); Likely benign (2). Last evaluated 2025-02-10.

Conditions:
Hereditary cancer-predisposing syndrome. Also called: Tumor predisposition; Hereditary Cancer Syndrome; Hereditary neoplastic syndrome; Neoplastic Syndromes, Hereditary. Identifiers: Orphanet 140162, MedGen C0027672, MeSH D009386, MONDO:0015356.
Colorectal cancer, susceptibility to, 12 (CRCS12). Also called: COLORECTAL CANCER, SUSCEPTIBILITY TO, ON CHROMOSOME 12q24. Identifiers: Orphanet 220460, MedGen C3554460, MONDO:0014038, OMIM 615083.

Allele frequency attached by ClinVar (database versions not stated): gnomAD exomes below 0.00001.
gnomAD v4.1: 1 of 1,614,120 alleles (0.000062%); highest among the groups gnomAD compares: Non-Finnish European, 0.000085%; no homozygotes.

Submissions (3):

Myriad Genetics, Inc.
Classification: Benign for Colorectal cancer, susceptibility to, 12. Last evaluated: 2025-02-10. Review status: criteria provided, single submitter. Criteria: Myriad Autosomal Dominant, Autosomal Recessive and X-Linked Classification Criteria (2023). Collection method: clinical testing. Allele origin: unknown.
Comment: This variant is considered benign. This variant is a silent/synonymous amino acid change and it is not expected to impact splicing.

Labcorp Genetics (formerly Invitae), Labcorp
Classification: Likely benign for Colorectal cancer, susceptibility to, 12. Last evaluated: 2019-07-11. Review status: criteria provided, single submitter. Criteria: Invitae Variant Classification Sherloc (09022015). Collection method: clinical testing. Allele origin: germline.

Ambry Genetics
Classification: Likely benign for Hereditary cancer-predisposing syndrome. Last evaluated: 2017-07-24. Review status: criteria provided, single submitter. Criteria: Ambry Variant Classification Scheme 2023. Collection method: clinical testing. Allele origin: germline.